The following is an entry in ClinVar:

NM_001103.4(ACTN2):c.325A>G (p.Ser109Gly)

Gene: ACTN2 (actinin alpha 2; plus strand). Cytogenetic location: 1q43.
Variant type: single nucleotide variant.
Coding change: c.325A>G on transcript NM_001103.4 (MANE Select); coding-DNA position 325, A replaced by G.
Protein change: p.Ser109Gly; replaces serine 109 with glycine.
Molecular consequence: missense variant. On other transcripts: 5 prime UTR variant (1).
Genome position (GRCh38, 1-based): chr1:236,718,977, A>G. VCF-style: chr1-236718977-A-G. GRCh37 (hg19) VCF-style: chr1-236882277-A-G.
Other names: c.325A>G, p.Ser109Gly (NM_001278343.2); c.-497A>G (NM_001278344.2); short protein forms S109G.
Identifiers: ClinVar variation 1360229 (VCV001360229.8), dbSNP rs1658302140, ClinGen allele CA345373629.

ClinVar aggregate classification (germline): Uncertain significance (1 of 4 stars; one submission).

Conditions:
Primary familial hypertrophic cardiomyopathy (HCM). Identifiers: Orphanet 99739, MedGen C0949658, MeSH D024741, MONDO:0024573. Inheritance: Various modes of inheritance.
Dilated cardiomyopathy 1AA (CMD1AA). Also called: Cardiomyopathy, dilated, 1AA, with or without LVNC; CARDIOMYOPATHY, DILATED, 1AA, WITH OR WITHOUT LEFT VENTRICULAR NONCOMPACTION; CARDIOMYOPATHY, FAMILIAL HYPERTROPHIC, 23, WITH OR WITHOUT LEFT VENTRICULAR NONCOMPACTION. Identifiers: Orphanet 154, MedGen C2677338, MONDO:0012808, OMIM 612158.

Allele frequency attached by ClinVar (database versions not stated): TOPMed below 0.00001.

Submission:

Labcorp Genetics (formerly Invitae), Labcorp
Classification: Uncertain significance for Primary familial hypertrophic cardiomyopathy; Dilated cardiomyopathy 1AA. Last evaluated: 2021-06-10. Review status: criteria provided, single submitter. Criteria: Invitae Variant Classification Sherloc (09022015). Collection method: clinical testing. Allele origin: germline.
Comment: This sequence change replaces serine with glycine at codon 109 of the ACTN2 protein (p.Ser109Gly). The serine residue is highly conserved and there is a small physicochemical difference between serine and glycine. This variant is not present in population databases (ExAC no frequency). This variant has not been reported in the literature in individuals with ACTN2-related conditions. Advanced modeling of protein sequence and biophysical properties (such as structural, functional, and spatial information, amino acid conservation, physicochemical variation, residue mobility, and thermodynamic stability) performed at Invitae indicates that this missense variant is not expected to disrupt ACTN2 protein function. In summary, the available evidence is currently insufficient to determine the role of this variant in disease. Therefore, it has been classified as a Variant of Uncertain Significance.